The following is an entry in ClinVar:

ClinVar aggregate classification (germline): Uncertain significance. Review status: criteria provided, multiple submitters, no conflicts (2 of 4 stars). 2 submissions from 2 submitters: Uncertain significance (2). Last evaluated 2025-06-25.

Conditions:
Hereditary cancer-predisposing syndrome. Also called: Neoplastic Syndromes, Hereditary; Tumor predisposition; Hereditary neoplastic syndrome; Hereditary Cancer Syndrome. Identifiers: Orphanet 140162, MedGen C0027672, MeSH D009386, MONDO:0015356.

gnomAD v4.1: 1 of 1,613,500 alleles (0.000062%); highest among the groups gnomAD compares: African/African-American, 0.0013%; no homozygotes.

Submissions (2):

Labcorp Genetics (formerly Invitae), Labcorp
Classification: Uncertain significance. Last evaluated: 2025-06-25. Review status: criteria provided, single submitter. Criteria: Invitae Variant Classification Sherloc (09022015). Collection method: clinical testing. Allele origin: germline.
Comment: This sequence change replaces histidine, which is basic and polar, with proline, which is neutral and non-polar, at codon 1627 of the POLE protein (p.His1627Pro). This variant is not present in population databases (gnomAD no frequency). This variant has not been reported in the literature in individuals affected with POLE-related conditions. ClinVar contains an entry for this variant (Variation ID: 568870). Invitae Evidence Modeling of protein sequence and biophysical properties (such as structural, functional, and spatial information, amino acid conservation, physicochemical variation, residue mobility, and thermodynamic stability) indicates that this missense variant is not expected to disrupt POLE protein function with a negative predictive value of 80%. In summary, the available evidence is currently insufficient to determine the role of this variant in disease. Therefore, it has been classified as a Variant of Uncertain Significance.

Ambry Genetics
Classification: Uncertain significance for Hereditary cancer-predisposing syndrome. Last evaluated: 2025-04-02. Review status: criteria provided, single submitter. Criteria: Ambry Variant Classification Scheme 2023. Collection method: clinical testing. Allele origin: germline.
Comment: The p.H1627P variant (also known as c.4880A>C), located in coding exon 37 of the POLE gene, results from an A to C substitution at nucleotide position 4880. The histidine at codon 1627 is replaced by proline, an amino acid with similar properties. This amino acid position is not well conserved in available vertebrate species. In addition, this alteration is predicted to be tolerated by in silico analysis. Based on the available evidence, the clinical significance of this variant remains unclear.

NM_006231.4(POLE):c.4880A>C (p.His1627Pro)

Gene: POLE (DNA polymerase epsilon, catalytic subunit; minus strand). Cytogenetic location: 12q24.33.
Variant type: single nucleotide variant.
Coding change: c.4880A>C on transcript NM_006231.4 (MANE Select); coding-DNA position 4880, A replaced by C.
Protein change: p.His1627Pro; replaces histidine 1627 with proline.
Molecular consequence: missense variant.
Genome position (GRCh38, 1-based): chr12:132,642,578, T>G on the plus strand (A>C on the coding strand, the complement: POLE is on the minus strand). VCF-style: chr12-132642578-T-G. GRCh37 (hg19) VCF-style: chr12-133219164-T-G.
Other names: c.4880A>C (NM_006231.2); short protein forms H1627P.
Identifiers: ClinVar variation 568870 (VCV000568870.9), dbSNP rs1274894982, ClinGen allele CA387378040.